The following is an entry in ClinVar:

ClinVar aggregate classification (germline): Uncertain significance. Review status: criteria provided, multiple submitters, no conflicts (2 of 4 stars). 2 submissions from 2 submitters: Uncertain significance (2). Last evaluated 2023-08-11.

Conditions:
Hypertrophic cardiomyopathy. Also called: HYPERTROPHIC MYOCARDIOPATHY. Identifiers: Orphanet 217569, MedGen C0007194, MeSH D002312, MONDO:0005045, HP:0001639.

Submissions (2):

Ambry Genetics
Classification: Uncertain significance. Last evaluated: 2023-08-11. Review status: criteria provided, single submitter. Criteria: Ambry Variant Classification Scheme 2023. Collection method: clinical testing. Allele origin: germline.
Comment: The p.T395N variant (also known as c.1184C>A), located in coding exon 8 of the MYOM1 gene, results from a C to A substitution at nucleotide position 1184. The threonine at codon 395 is replaced by asparagine, an amino acid with similar properties. This amino acid position is conserved. In addition, this alteration is predicted to be tolerated by in silico analysis. Since supporting evidence is limited at this time, the clinical significance of this alteration remains unclear.

Labcorp Genetics (formerly Invitae), Labcorp
Classification: Uncertain significance for Hypertrophic cardiomyopathy. Last evaluated: 2020-03-23. Review status: criteria provided, single submitter. Criteria: Invitae Variant Classification Sherloc (09022015). Collection method: clinical testing. Allele origin: germline.
Comment: This sequence change replaces threonine with asparagine at codon 395 of the MYOM1 protein (p.Thr395Asn). The threonine residue is moderately conserved and there is a small physicochemical difference between threonine and asparagine. This variant is not present in population databases (ExAC no frequency). This variant has not been reported in the literature in individuals with MYOM1-related conditions. Algorithms developed to predict the effect of missense changes on protein structure and function are either unavailable or do not agree on the potential impact of this missense change (SIFT: "Tolerated"; PolyPhen-2: "Possibly Damaging"; Align-GVGD: "Class C0"). In summary, the available evidence is currently insufficient to determine the role of this variant in disease. Therefore, it has been classified as a Variant of Uncertain Significance.

NM_003803.4(MYOM1):c.1184C>A (p.Thr395Asn)

Gene: MYOM1 (myomesin 1; minus strand). Cytogenetic location: 18p11.31.
Variant type: single nucleotide variant.
Coding change: c.1184C>A on transcript NM_003803.4 (MANE Select); coding-DNA position 1184, C replaced by A.
Protein change: p.Thr395Asn; replaces threonine 395 with asparagine.
Molecular consequence: missense variant.
Genome position (GRCh38, 1-based): chr18:3,168,972, G>T on the plus strand (C>A on the coding strand, the complement: MYOM1 is on the minus strand). VCF-style: chr18-3168972-G-T. GRCh37 (hg19) VCF-style: chr18-3168970-G-T.
Other names: c.1184C>A, p.Thr395Asn (NM_019856.2); short protein forms T395N.
Identifiers: ClinVar variation 859913 (VCV000859913.12), dbSNP rs1404270892, ClinGen allele CA401715441.
Genomic context (GRCh38, chr18:3,168,972, plus strand): 5'-AAAGACACATCAAATTTGTCATCAAAGTGGATCTCAAACCGGGATGCATAACCATATGGG[G>T]TCACACCAACTGGGTACAAAAATAACAAATATCAGTAATTTTTTTCTTCATCAAAGAGAC-3'
Protein context (NP_003794.3, residues 385-405): ASTMPLSFGV[Thr395Asn]PYGYASRFEI